The following is an entry in ClinVar:

NM_177438.3(DICER1):c.1975C>T (p.Pro659Ser)

Gene: DICER1 (dicer 1, ribonuclease III; minus strand). Cytogenetic location: 14q32.13.
Variant type: single nucleotide variant.
Coding change: c.1975C>T on transcript NM_177438.3 (MANE Select); coding-DNA position 1975, C replaced by T.
Protein change: p.Pro659Ser; replaces proline 659 with serine.
Molecular consequence: missense variant.
Genome position (GRCh38, 1-based): chr14:95,113,157, G>A on the plus strand (C>T on the coding strand, the complement: DICER1 is on the minus strand). VCF-style: chr14-95113157-G-A. GRCh37 (hg19) VCF-style: chr14-95579494-G-A.
Other names: c.1975C>T, p.Pro659Ser (NM_001195573.1, NM_001271282.3, NM_001291628.2 and 1 more transcripts); short protein forms P659S.
Identifiers: ClinVar variation 485531 (VCV000485531.8), dbSNP rs1347537043, ClinGen allele CA390883313.

ClinVar aggregate classification (germline): Uncertain significance. Review status: criteria provided, multiple submitters, no conflicts (2 of 4 stars). 2 submissions from 2 submitters: Uncertain significance (2). Last evaluated 2023-10-04.

Conditions:
DICER1-related tumor predisposition. Also called: DICER1-related pleuropulmonary blastoma cancer predisposition syndrome; DICER1 syndrome. Identifiers: Orphanet 284343, MedGen C3839822, MONDO:0100216.
Hereditary cancer-predisposing syndrome. Also called: Hereditary neoplastic syndrome; Neoplastic Syndromes, Hereditary; Tumor predisposition; Hereditary Cancer Syndrome. Identifiers: Orphanet 140162, MedGen C0027672, MeSH D009386, MONDO:0015356.

Allele frequency attached by ClinVar (database versions not stated): gnomAD exomes below 0.00001.
gnomAD v4.1: 3 of 1,612,860 alleles (0.00019%); highest among the groups gnomAD compares: Admixed American, 0.0017%; no homozygotes.

Submissions (2):

Labcorp Genetics (formerly Invitae), Labcorp
Classification: Uncertain significance for DICER1-related tumor predisposition. Last evaluated: 2023-10-04. Review status: criteria provided, single submitter. Criteria: Invitae Variant Classification Sherloc (09022015). Collection method: clinical testing. Allele origin: germline.
Comment: This sequence change replaces proline, which is neutral and non-polar, with serine, which is neutral and polar, at codon 659 of the DICER1 protein (p.Pro659Ser). This variant is present in population databases (no rsID available, gnomAD 0.003%). This variant has not been reported in the literature in individuals affected with DICER1-related conditions. ClinVar contains an entry for this variant (Variation ID: 485531). Advanced modeling of protein sequence and biophysical properties (such as structural, functional, and spatial information, amino acid conservation, physicochemical variation, residue mobility, and thermodynamic stability) performed at Invitae indicates that this missense variant is not expected to disrupt DICER1 protein function. In summary, the available evidence is currently insufficient to determine the role of this variant in disease. Therefore, it has been classified as a Variant of Uncertain Significance.

Ambry Genetics
Classification: Uncertain significance for Hereditary cancer-predisposing syndrome. Last evaluated: 2017-04-04. Review status: criteria provided, single submitter. Criteria: Ambry Variant Classification Scheme 2023. Collection method: clinical testing. Allele origin: germline.
Comment: The p.P659S variant (also known as c.1975C>T), located in coding exon 11 of the DICER1 gene, results from a C to T substitution at nucleotide position 1975. The proline at codon 659 is replaced by serine, an amino acid with similar properties. This amino acid position is well conserved in available vertebrate species. In addition, this alteration is predicted to be tolerated by in silico analysis. Since supporting evidence is limited at this time, the clinical significance of this alteration remains unclear.